The following is an entry in ClinVar:

ClinVar aggregate classification (germline): Pathogenic (1 of 4 stars; one submission).

Conditions:
Blepharophimosis - intellectual disability syndrome, MKB type. Also called: Ohdo syndrome, X-linked; BLEPHAROPHIMOSIS-MENTAL RETARDATION SYNDROME, MAAT-KIEVIT-BRUNNER TYPE; X-Linked Ohdo Syndrome (XLOS). Identifiers: Orphanet 293707, MedGen C3698541, MONDO:0010477, OMIM 300895.

Submission:

Department of Medical Genetics, National Institute of Health
Classification: Pathogenic for Blepharophimosis - intellectual disability syndrome, MKB type. Review status: criteria provided, single submitter. Criteria: ACMG Guidelines, 2015. Collection method: clinical testing. Allele origin: de novo. Inheritance: X-linked recessive inheritance. Affected: yes. Observed: 1 hemizygote.

NM_005120.3(MED12):c.6352C>T (p.Gln2118Ter)

Gene: MED12 (mediator complex subunit 12; plus strand). Cytogenetic location: Xq13.1.
Variant type: single nucleotide variant.
Coding change: c.6352C>T on transcript NM_005120.3 (MANE Select); coding-DNA position 6352, C replaced by T.
Protein change: p.Gln2118Ter; replaces glutamine 2118 with a stop codon.
Molecular consequence: nonsense.
Genome position (GRCh38, 1-based): chrX:71,141,314, C>T. VCF-style: chrX-71141314-C-T. GRCh37 (hg19) VCF-style: chrX-70361164-C-T.
Other names: short protein forms Q2118*.
Identifiers: ClinVar variation 3064230 (VCV003064230.2).